The following is an entry in ClinVar:

NM_001127208.3(TET2):c.2593A>G (p.Met865Val)

Genes: TET2 (tet methylcytosine dioxygenase 2; plus strand), TET2-AS1 (TET2 antisense RNA 1; minus strand). Cytogenetic location: 4q24.
Variant type: single nucleotide variant.
Coding change: c.2593A>G on transcript NM_001127208.3 (MANE Select); coding-DNA position 2593, A replaced by G.
Protein change: p.Met865Val; replaces methionine 865 with valine.
Molecular consequence: missense variant.
Genome position (GRCh38, 1-based): chr4:105,236,535, A>G. VCF-style: chr4-105236535-A-G. GRCh37 (hg19) VCF-style: chr4-106157692-A-G.
Other names: c.2593A>G, p.Met865Val (NM_017628.4); short protein forms M865V.
Identifiers: ClinVar variation 3455313 (VCV003455313.1).

ClinVar aggregate classification (germline): Uncertain significance (1 of 4 stars; one submission).

gnomAD v4.1: 33 of 1,614,170 alleles (0.002%); highest among the groups gnomAD compares: Non-Finnish European, 0.0026%; no homozygotes.

Submission:

Ambry Genetics
Classification: Uncertain significance. Last evaluated: 2024-11-22. Review status: criteria provided, single submitter. Criteria: Ambry Variant Classification Scheme 2023. Collection method: clinical testing. Allele origin: germline.
Comment: The p.M865V variant (also known as c.2593A>G), located in coding exon 1 of the TET2 gene, results from an A to G substitution at nucleotide position 2593. The methionine at codon 865 is replaced by valine, an amino acid with highly similar properties. This amino acid position is conserved. In addition, this alteration is predicted to be tolerated by in silico analysis. Based on the available evidence, the clinical significance of this variant remains unclear.